The following is an entry in ClinVar:

NM_001378454.1(ALMS1):c.9359A>C (p.Lys3120Thr)

Gene: ALMS1 (ALMS1 centrosome and basal body associated protein; plus strand). Cytogenetic location: 2p13.1.
Variant type: single nucleotide variant.
Coding change: c.9359A>C on transcript NM_001378454.1 (MANE Select); coding-DNA position 9359, A replaced by C.
Protein change: p.Lys3120Thr; replaces lysine 3120 with threonine.
Molecular consequence: missense variant.
Genome position (GRCh38, 1-based): chr2:73,491,318, A>C. VCF-style: chr2-73491318-A-C. GRCh37 (hg19) VCF-style: chr2-73718445-A-C.
Other names: c.9362A>C, p.Lys3121Thr (NM_015120.4); short protein forms K3121T, K3120T.
Identifiers: ClinVar variation 554344 (VCV000554344.18), dbSNP rs375038066, ClinGen allele CA1714641.

ClinVar aggregate classification (germline): Uncertain significance. Review status: criteria provided, multiple submitters, no conflicts (2 of 4 stars). 6 submissions from 6 submitters: Uncertain significance (3). 3 of the submissions do not count toward it. Last evaluated 2026-01-12.

Conditions:
Cardiovascular phenotype. Identifiers: MedGen CN230736.
Alstrom syndrome (ALMS). Identifiers: Orphanet 64, MedGen C0268425, MONDO:0008763, OMIM 203800.

Allele frequency attached by ClinVar (database versions not stated): ExAC 0.00002; gnomAD exomes 0.00002; ESP Exome Variant Server 0.00008; TOPMed 0.00009; gnomAD 0.00011.

Submissions (6):

Labcorp Genetics (formerly Invitae), Labcorp
Classification: Uncertain significance for Alstrom syndrome. Last evaluated: 2026-01-12. Review status: criteria provided, single submitter. Criteria: Invitae Variant Classification Sherloc (09022015). Collection method: clinical testing. Allele origin: germline.
Comment: This sequence change replaces lysine, which is basic and polar, with threonine, which is neutral and polar, at codon 3121 of the ALMS1 protein (p.Lys3121Thr). This variant is present in population databases (rs375038066, gnomAD 0.03%). This variant has not been reported in the literature in individuals affected with ALMS1-related conditions. ClinVar contains an entry for this variant (Variation ID: 554344). Experimental studies and prediction algorithms are not available or were not evaluated, and the functional significance of this variant is currently unknown. In summary, the available evidence is currently insufficient to determine the role of this variant in disease. Therefore, it has been classified as a Variant of Uncertain Significance.

Ambry Genetics
Classification: Uncertain significance for Cardiovascular phenotype. Last evaluated: 2025-10-29. Review status: criteria provided, single submitter. Criteria: Ambry Variant Classification Scheme 2023. Collection method: clinical testing. Allele origin: germline.
Comment: The p.K3121T variant (also known as c.9362A>C), located in coding exon 10 of the ALMS1 gene, results from an A to C substitution at nucleotide position 9362. The lysine at codon 3121 is replaced by threonine, an amino acid with similar properties. This amino acid position is well conserved in available vertebrate species. In addition, this alteration is predicted to be tolerated by in silico analysis. Based on the available evidence, the clinical significance of this variant remains unclear.

GeneDx
Classification: Uncertain significance. Last evaluated: 2025-10-07. Review status: criteria provided, single submitter. Criteria: GeneDx Variant Classification Process June 2021. Collection method: clinical testing. Allele origin: germline. Affected: yes.
Comment: In silico analysis supports that this missense variant has a deleterious effect on protein structure/function; Has not been previously published as pathogenic or benign to our knowledge

Natera, Inc.
Classification: Uncertain significance for Alstrom syndrome. Last evaluated: 2021-03-23. Review status: no assertion criteria provided. Collection method: clinical testing. Allele origin: germline. Not counted in ClinVar's aggregate classification.

Counsyl
Classification: Uncertain significance for Alstrom syndrome. Last evaluated: 2017-10-16. Review status: no assertion criteria provided. Collection method: clinical testing. Allele origin: unknown. Not counted in ClinVar's aggregate classification.

Department of Pathology and Laboratory Medicine, Sinai Health System
Classification: Uncertain significance. Review status: no assertion criteria provided. Collection method: clinical testing. Allele origin: unknown. Affected: yes. Study: The Canadian Open Genetics Repository (COGR). Not counted in ClinVar's aggregate classification.
Comment: The ALMS1 p.K3119T variant was not identified in the literature but was identified in dbSNP (ID: rs375038066) and ClinVar (classified as uncertain significance by Counsyl and Invitae). The variant was identified in control databases in 7 of 280884 chromosomes at a frequency of 0.00002492 (Genome Aggregation Database March 6, 2019, v2.1.1). The p.K3119 residue is conserved in mammals and computational analyses (MUT Assesor, PolyPhen-2, MutationTaster, Revel, MetaLR, DANN) provide inconsistent predictions regarding the impact to the protein; this information is not very predictive of pathogenicity. The variant occurs outside of the splicing consensus sequence and in silico or computational prediction software programs (Splice AI exome) do not predict a difference in splicing. In summary, based on the above information the clinical significance of this variant cannot be determined with certainty at this time. This variant is classified as a variant of uncertain significance.